The following is an entry in ClinVar:

NM_000417.3(IL2RA):c.498C>T (p.Ser166=)

Gene: IL2RA (interleukin 2 receptor subunit alpha; minus strand). Cytogenetic location: 10p15.1.
Variant type: single nucleotide variant.
Coding change: c.498C>T on transcript NM_000417.3 (MANE Select); coding-DNA position 498, C replaced by T.
Protein change: p.Ser166=; no amino-acid change (serine 166 retained).
Molecular consequence: synonymous variant. On other transcripts: intron variant (2).
Genome position (GRCh38, 1-based): chr10:6,021,563, G>A on the plus strand (C>T on the coding strand, the complement: IL2RA is on the minus strand). VCF-style: chr10-6021563-G-A. GRCh37 (hg19) VCF-style: chr10-6063526-G-A.
Other names: p.Ser166=; c.368-2064C>T (NM_001308243.2); c.368-1622C>T (NM_001308242.2).
Identifiers: ClinVar variation 750398 (VCV000750398.9), dbSNP rs747017654, ClinGen allele CA5397429.

ClinVar aggregate classification (germline): Likely benign. Review status: criteria provided, multiple submitters, no conflicts (2 of 4 stars). 2 submissions from 2 submitters: Likely benign (2). Last evaluated 2025-10-24.

Conditions:
Immunodeficiency due to CD25 deficiency. Also called: IMMUNODEFICIENCY 41 WITH LYMPHOPROLIFERATION AND AUTOIMMUNITY; CD25 DEFICIENCY; IL2RA DEFICIENCY. Identifiers: Orphanet 169100, MedGen C1853392, MONDO:0011664, OMIM 606367.

Allele frequency attached by ClinVar (database versions not stated): ExAC 0.00002; TOPMed 0.00003.
gnomAD v4.1: 19 of 1,614,112 alleles (0.0012%); highest among the groups gnomAD compares: Admixed American, 0.015%; no homozygotes.

Submissions (2):

Labcorp Genetics (formerly Invitae), Labcorp
Classification: Likely benign for Immunodeficiency due to CD25 deficiency. Last evaluated: 2025-10-24. Review status: criteria provided, single submitter. Criteria: Invitae Variant Classification Sherloc (09022015). Collection method: clinical testing. Allele origin: germline.

Mayo Clinic Laboratories, Mayo Clinic
Classification: Likely benign. Last evaluated: 2025-07-14. Review status: criteria provided, single submitter. Criteria: ACMG Guidelines, 2015. Collection method: clinical testing. Allele origin: germline. Observed: 1 variant allele.
Comment: BP4, BP7